The following is an entry in ClinVar:

ClinVar aggregate classification (germline): Likely pathogenic (0 of 4 stars; one submission).

Conditions:
BIN1-related disorder. Also called: BIN1-related condition.

Submission:

PreventionGenetics, part of Exact Sciences
Classification: Likely pathogenic for BIN1-related condition. Last evaluated: 2024-05-02. Review status: no assertion criteria provided. Collection method: clinical testing. Allele origin: germline.
Comment: The BIN1 c.432delG variant is predicted to result in a frameshift and premature protein termination (p.Arg145Alafs*51). To our knowledge, this variant has not been reported in the literature or in a large population database, indicating this variant is rare. Frameshift variants in BIN1 are expected to be pathogenic. This variant is interpreted as likely pathogenic.

NM_139343.3(BIN1):c.432del (p.Arg145fs)

Gene: BIN1 (bridging integrator 1; minus strand). Cytogenetic location: 2q14.3.
Variant type: Deletion.
Coding change: c.432del on transcript NM_139343.3 (MANE Select); coding-DNA position 432, one base deleted (G; older notation c.432delG).
Protein change: p.Arg145fs; shifts the reading frame from arginine 145.
Molecular consequence: frameshift variant.
Genome position (GRCh38, 1-based): chr2:127,069,011, C deleted on the plus strand (G on the coding strand, the reverse complement: BIN1 is on the minus strand); the first of 5 consecutive C bases (chr2:127,069,011-127,069,015); deleting any one gives the same sequence. VCF-style (leftmost placement, unchanged base first): chr2-127069010-GC-G. GRCh37 (hg19) VCF-style: chr2-127826586-GC-G.
Other names: c.432del, p.Arg145fs (NM_001320632.2, NM_001320633.2, NM_001320640.2 and 10 more transcripts); c.360del, p.Arg121fs (NM_001320634.1); c.351del, p.Arg118fs (NM_001320642.1); short protein forms R118fs, R121fs, R145fs.
Identifiers: ClinVar variation 3348477 (VCV003348477.1).